The following is an entry in ClinVar:

ClinVar aggregate classification (germline): Benign/Likely benign. Review status: criteria provided, multiple submitters, no conflicts (2 of 4 stars). 4 submissions from 4 submitters: Benign (1); Likely benign (2). 1 of the submissions does not count toward it. Last evaluated 2026-07-09.

Conditions:
Rhabdoid tumor predisposition syndrome 2 (RTPS2). Identifiers: Orphanet 231108, Orphanet 69077, MedGen C2750074, MONDO:0013224, OMIM 613325.
SMARCA4-related disorder. Also called: SMARCA4-related condition.
Hereditary cancer-predisposing syndrome. Also called: Tumor predisposition; Neoplastic Syndromes, Hereditary; Hereditary Cancer Syndrome; Hereditary neoplastic syndrome. Identifiers: Orphanet 140162, MedGen C0027672, MeSH D009386, MONDO:0015356.

Allele frequency attached by ClinVar (database versions not stated): gnomAD below 0.00001 and 0.00001; gnomAD exomes 0.00001.
gnomAD v4.1: 5 of 1,611,756 alleles (0.00031%); highest among the groups gnomAD compares: South Asian, 0.0033%; no homozygotes.

Submissions (4):

Myriad Genetics, Inc.
Classification: Benign for Rhabdoid tumor predisposition syndrome 2. Last evaluated: 2026-07-09. Review status: criteria provided, single submitter. Criteria: Myriad Autosomal Dominant, Autosomal Recessive and X-Linked Classification Criteria (2023). Collection method: clinical testing. Allele origin: unknown.
Comment: This variant is considered benign. This variant is a silent/synonymous amino acid change and it is not expected to impact splicing.

Labcorp Genetics (formerly Invitae), Labcorp
Classification: Likely benign for Rhabdoid tumor predisposition syndrome 2. Last evaluated: 2025-07-29. Review status: criteria provided, single submitter. Criteria: Invitae Variant Classification Sherloc (09022015). Collection method: clinical testing. Allele origin: germline.

Ambry Genetics
Classification: Likely benign for Hereditary cancer-predisposing syndrome. Last evaluated: 2016-09-16. Review status: criteria provided, single submitter. Criteria: Ambry Variant Classification Scheme 2023. Collection method: clinical testing. Allele origin: germline.

PreventionGenetics, part of Exact Sciences
Classification: Likely benign for SMARCA4-related condition. Last evaluated: 2022-08-05. Review status: no assertion criteria provided. Collection method: clinical testing. Allele origin: germline. Not counted in ClinVar's aggregate classification.
Comment: This variant is classified as likely benign based on ACMG/AMP sequence variant interpretation guidelines (Richards et al. 2015 PMID: 25741868, with internal and published modifications).

NM_003072.5(SMARCA4):c.798G>A (p.Ser266=)

Gene: SMARCA4 (SWI/SNF related BAF chromatin remodeling complex subunit ATPase 4; plus strand). Cytogenetic location: 19p13.2.
Variant type: single nucleotide variant.
Coding change: c.798G>A on transcript NM_003072.5 (MANE Select); coding-DNA position 798, G replaced by A.
Protein change: p.Ser266=; no amino-acid change (serine 266 retained).
Molecular consequence: synonymous variant. On other transcripts: non-coding transcript variant (1).
Genome position (GRCh38, 1-based): chr19:10,986,942, G>A. VCF-style: chr19-10986942-G-A. GRCh37 (hg19) VCF-style: chr19-11097618-G-A.
Other names: c.798G>A, p.Ser266= (NM_001128844.3, NM_001128845.2, NM_001128846.2 and 5 more transcripts).
Identifiers: ClinVar variation 484918 (VCV000484918.19), dbSNP rs1166644954, ClinGen allele CA505488692.